The following is an entry in ClinVar:

ClinVar aggregate classification (germline): Likely pathogenic (1 of 4 stars; one submission).

Submission:

GeneDx
Classification: Likely pathogenic. Last evaluated: 2023-09-19. Review status: criteria provided, single submitter. Criteria: GeneDx Variant Classification Process June 2021. Collection method: clinical testing. Allele origin: germline. Affected: yes.
Comment: Not observed at significant frequency in large population cohorts (gnomAD); In silico analysis supports that this missense variant has a deleterious effect on protein structure/function; Has not been previously published as pathogenic or benign to our knowledge; This variant is associated with the following publications: (PMID: 8616895)

NM_004380.3(CREBBP):c.6310C>T (p.Arg2104Cys)

Gene: CREBBP (CREB binding protein; minus strand). Cytogenetic location: 16p13.3.
Variant type: single nucleotide variant.
Coding change: c.6310C>T on transcript NM_004380.3 (MANE Select); coding-DNA position 6310, C replaced by T.
Protein change: p.Arg2104Cys; replaces arginine 2104 with cysteine.
Molecular consequence: missense variant.
Genome position (GRCh38, 1-based): chr16:3,728,737, G>A on the plus strand (C>T on the coding strand, the complement: CREBBP is on the minus strand). VCF-style: chr16-3728737-G-A. GRCh37 (hg19) VCF-style: chr16-3778738-G-A.
Other names: c.6196C>T, p.Arg2066Cys (NM_001079846.1); short protein forms R2066C, R2104C.
Identifiers: ClinVar variation 2580828 (VCV002580828.1), dbSNP rs1489860615, ClinGen allele CA394553667.